The following is an entry in ClinVar:

NM_001127671.2(LIFR):c.1226C>T (p.Thr409Ile)

Gene: LIFR (LIF receptor subunit alpha; minus strand). Cytogenetic location: 5p13.1.
Variant type: single nucleotide variant.
Coding change: c.1226C>T on transcript NM_001127671.2 (MANE Select); coding-DNA position 1226, C replaced by T.
Protein change: p.Thr409Ile; replaces threonine 409 with isoleucine.
Molecular consequence: missense variant.
Genome position (GRCh38, 1-based): chr5:38,505,970, G>A on the plus strand (C>T on the coding strand, the complement: LIFR is on the minus strand). VCF-style: chr5-38505970-G-A. GRCh37 (hg19) VCF-style: chr5-38506072-G-A.
Other names: c.1226C>T, p.Thr409Ile (NM_001364297.2, NM_001364298.2, NM_002310.6); c.1226C>T (NM_002310.5); short protein forms T409I.
Identifiers: ClinVar variation 2153155 (VCV002153155.28), dbSNP rs899330619, ClinGen allele CA117159126.

ClinVar aggregate classification (germline): Uncertain significance. Review status: criteria provided, multiple submitters, no conflicts (2 of 4 stars). 3 submissions from 3 submitters: Uncertain significance (3). Last evaluated 2025-08-07.

Conditions:
Inborn genetic diseases. Identifiers: MedGen C0950123, MeSH D030342.

Allele frequency attached by ClinVar (database versions not stated): gnomAD exomes 0.00001.
gnomAD v4.1: 15 of 1,610,190 alleles (0.00093%); highest among the groups gnomAD compares: Middle Eastern, 0.034%; no homozygotes.

Submissions (3):

Ambry Genetics
Classification: Uncertain significance for Inborn genetic diseases. Last evaluated: 2025-08-07. Review status: criteria provided, single submitter. Criteria: Ambry Variant Classification Scheme 2023. Collection method: clinical testing. Allele origin: germline.

Labcorp Genetics (formerly Invitae), Labcorp
Classification: Uncertain significance. Last evaluated: 2024-02-24. Review status: criteria provided, single submitter. Criteria: Invitae Variant Classification Sherloc (09022015). Collection method: clinical testing. Allele origin: germline.
Comment: This sequence change replaces threonine, which is neutral and polar, with isoleucine, which is neutral and non-polar, at codon 409 of the LIFR protein (p.Thr409Ile). This variant is present in population databases (no rsID available, gnomAD 0.007%). This variant has not been reported in the literature in individuals affected with LIFR-related conditions. ClinVar contains an entry for this variant (Variation ID: 2153155). An algorithm developed to predict the effect of missense changes on protein structure and function (PolyPhen-2) suggests that this variant is likely to be tolerated. In summary, the available evidence is currently insufficient to determine the role of this variant in disease. Therefore, it has been classified as a Variant of Uncertain Significance.

CeGaT Center for Human Genetics Tuebingen
Classification: Uncertain significance. Last evaluated: 2022-10-01. Review status: criteria provided, single submitter. Criteria: CeGaT Center For Human Genetics Tuebingen Variant Classification Criteria Version 2. Collection method: clinical testing. Allele origin: germline. Affected: yes. Observed: 1 variant allele.
Comment: LIFR: PM2, BP4